The following is an entry in ClinVar:

ClinVar aggregate classification (germline): Likely benign. Review status: criteria provided, multiple submitters, no conflicts (2 of 4 stars). 3 submissions from 3 submitters: Likely benign (3). Last evaluated 2025-08-01.

Allele frequency attached by ClinVar (database versions not stated): TOPMed below 0.00001; ExAC 0.00002; gnomAD exomes 0.00002.
gnomAD v4.1: 34 of 1,614,074 alleles (0.0021%); highest among the groups gnomAD compares: Non-Finnish European, 0.0028%; no homozygotes.

Submissions (3):

CeGaT Center for Human Genetics Tuebingen
Classification: Likely benign. Last evaluated: 2025-08-01. Review status: criteria provided, single submitter. Criteria: CeGaT Center For Human Genetics Tuebingen Variant Classification Criteria Version 2. Collection method: clinical testing. Allele origin: germline. Affected: yes. Observed: 2 variant alleles.
Comment: SRCAP: BP4, BP7

Labcorp Genetics (formerly Invitae), Labcorp
Classification: Likely benign. Last evaluated: 2024-07-08. Review status: criteria provided, single submitter. Criteria: Invitae Variant Classification Sherloc (09022015). Collection method: clinical testing. Allele origin: germline.

Blueprint Genetics
Classification: Likely benign. Last evaluated: 2024-05-28. Review status: criteria provided, single submitter. Criteria: ACMG Guidelines, 2015. Collection method: clinical testing. Allele origin: germline.

NM_006662.3(SRCAP):c.8787C>T (p.Pro2929=)

Gene: SRCAP (Snf2 related CREBBP activator protein; plus strand). Cytogenetic location: 16p11.2.
Variant type: single nucleotide variant.
Coding change: c.8787C>T on transcript NM_006662.3 (MANE Select); coding-DNA position 8787, C replaced by T.
Protein change: p.Pro2929=; no amino-acid change (proline 2929 retained).
Molecular consequence: synonymous variant.
Genome position (GRCh38, 1-based): chr16:30,738,827, C>T. VCF-style: chr16-30738827-C-T. GRCh37 (hg19) VCF-style: chr16-30750148-C-T.
Identifiers: ClinVar variation 1940018 (VCV001940018.19), dbSNP rs781590684, ClinGen allele CA8012760.